The following is an entry in ClinVar:

ClinVar aggregate classification (germline): Likely benign (1 of 4 stars; one submission).

Allele frequency attached by ClinVar (database versions not stated): 1000 Genomes Project 0.00180; 1000 Genomes Project 30x 0.00187; ExAC 0.00351; gnomAD exomes 0.00412; gnomAD 0.00423; ESP Exome Variant Server 0.00439.
gnomAD v4.1: 6,433 of 1,558,796 alleles (0.41%); highest among the groups gnomAD compares: Non-Finnish European, 0.46%; 887 homozygotes.

Submission:

CeGaT Center for Human Genetics Tuebingen
Classification: Likely benign. Last evaluated: 2022-11-01. Review status: criteria provided, single submitter. Criteria: CeGaT Center For Human Genetics Tuebingen Variant Classification Criteria Version 2. Collection method: clinical testing. Allele origin: germline. Affected: yes. Observed: 1 variant allele.
Comment: UGT2B28: BP4, BS2

NM_053039.2(UGT2B28):c.1522G>A (p.Val508Ile)

Genes: UGT2B28 (UDP glucuronosyltransferase family 2 member B28; plus strand), UGT2B28-AS1 (UGT2B28 antisense RNA 1; minus strand). Cytogenetic location: 4q13.2.
Variant type: single nucleotide variant.
Coding change: c.1522G>A on transcript NM_053039.2 (MANE Select); coding-DNA position 1522, G replaced by A.
Protein change: p.Val508Ile; replaces valine 508 with isoleucine.
Molecular consequence: missense variant. On other transcripts: 3 prime UTR variant (1).
Genome position (GRCh38, 1-based): chr4:69,294,741, G>A. VCF-style: chr4-69294741-G-A. GRCh37 (hg19) VCF-style: chr4-70160459-G-A.
Other names: c.*206G>A (NM_001207004.2); short protein forms V508I.
Identifiers: ClinVar variation 2654789 (VCV002654789.24), dbSNP rs150330705, ClinGen allele CA2946113.